The following is an entry in ClinVar:

ClinVar aggregate classification (germline): not provided (0 of 4 stars; one submission).

Submission:

ITMI
No classification provided. Condition: AllHighlyPenetrant. Last evaluated: 2013-09-19. Review status: no classification provided. Collection method: reference population. Allele origin: germline.
Comment: Please see associated publication for description of ethnicities

Literature cited by the submitters: PubMed 24728327.

NM_170606.3(KMT2C):c.1645G>A (p.Glu549Lys)

Gene: KMT2C (lysine methyltransferase 2C; minus strand). Cytogenetic location: 7q36.1.
Variant type: single nucleotide variant.
Coding change: c.1645G>A on transcript NM_170606.3 (MANE Select); coding-DNA position 1645, G replaced by A.
Protein change: p.Glu549Lys; replaces glutamic acid 549 with lysine.
Molecular consequence: missense variant.
Genome position (GRCh38, 1-based): chr7:152,250,943, C>T on the plus strand (G>A on the coding strand, the complement: KMT2C is on the minus strand). VCF-style: chr7-152250943-C-T. GRCh37 (hg19) VCF-style: chr7-151948028-C-T.
Other names: short protein forms E549K.
Identifiers: ClinVar variation 134742 (VCV000134742.1), dbSNP rs587778489, ClinGen allele CA160657.